The following is an entry in ClinVar:

ClinVar aggregate classification (germline): Benign. Review status: reviewed by expert panel (3 of 4 stars). 10 submissions from 9 submitters: Benign (1). 9 of the submissions do not count toward it. Last evaluated 2025-01-15.

Conditions:
Inborn genetic diseases. Identifiers: MedGen C0950123, MeSH D030342.
Meniere disease. Also called: Ménière's disease. Identifiers: MedGen C0025281, MONDO:0007972, OMIM 156000.
Nonsyndromic genetic hearing loss. Also called: Non-syndromic genetic deafness; Nonsyndromic hearing loss and deafness; Nonsyndromic genetic deafness. Identifiers: Orphanet 87884, MedGen C5680182, MONDO:0019497.
Autosomal recessive nonsyndromic hearing loss 37. Identifiers: Orphanet 90636, MedGen C1843028, MONDO:0011912, OMIM 607821.
Autosomal dominant nonsyndromic hearing loss 22. Also called: DFNA 22; Autosomal dominant nonsyndromic deafness 22. Identifiers: Orphanet 228012, MedGen C2931767, MONDO:0011660, OMIM 606346.

Allele frequency attached by ClinVar (database versions not stated): ESP Exome Variant Server 0.00015; gnomAD 0.00025 and 0.00026; gnomAD exomes 0.00026 and 0.00047; TOPMed 0.00027; ExAC 0.00035.
gnomAD v4.1: 441 of 1,613,254 alleles (0.027%); highest among the groups gnomAD compares: South Asian, 0.02%; 4 homozygotes.

Submissions (10):

ClinGen Hearing Loss Variant Curation Expert Panel
Classification: Benign for Nonsyndromic genetic hearing loss. Last evaluated: 2025-01-15. Review status: reviewed by expert panel. Criteria: Clingen Hl Acmg Specifications Cdh23 Coch Gjb2 Kcnq4 Myo6 Myo7a Slc26a4 Tecta Ush2a V2. Collection method: curation. Allele origin: germline. Inheritance: Autosomal recessive inheritance.
Comment: The c.475G>A variant in MYO6 is a missense variant predicted to cause substitution of glutamic acid by lysine at amino acid 159 (p.Glu159Lys). The filtering allele frequency of this variant is 0.013% for South Asian chromosomes by the Genome Aggregation Database v4 (18/91064 with 95% CI), which meets no population allele frequency criteria (PM2_Supporting, BS1, and BA1 are not met). However, this variant is also present in 0.8% (257/29596) of Ashkenazi Jewish chromosomes, which is a high enough frequency to be classified as benign based on thresholds defined by the ClinGen Hearing Loss Expert Panel for autosomal dominant hearing loss variants (BA1). This variant has not been reported in the literature in individuals affected with hearing loss. Therefore, given the lack of contradictory evidence, this variant is classified as benign based on the ACMG/AMP criteria applied, as specified by the Hearing Loss Expert Panel: BA1. (ClinGen Hearing Loss VCEP specifications version 2; 01.15.2025).

Labcorp Genetics (formerly Invitae), Labcorp
Classification: Benign. Last evaluated: 2025-11-08. Review status: criteria provided, single submitter. Criteria: Invitae Variant Classification Sherloc (09022015). Collection method: clinical testing. Allele origin: germline. Not counted in ClinVar's aggregate classification.

GeneDx
Classification: Uncertain significance. Last evaluated: 2025-05-02. Review status: criteria provided, single submitter. Criteria: GeneDx Variant Classification Process June 2021. Collection method: clinical testing. Allele origin: germline. Affected: yes. Not counted in ClinVar's aggregate classification.
Comment: In silico analysis supports that this missense variant has a deleterious effect on protein structure/function; Has not been previously published as pathogenic or benign to our knowledge; Classified as benign by the ClinGen Hearing Loss Expert Panel (ClinVar SCV000840548.3; PMID: 30311386); This variant is associated with the following publications: (PMID: 30311386)

Ambry Genetics
Classification: Uncertain significance for Inborn genetic diseases. Last evaluated: 2024-11-25. Review status: criteria provided, single submitter. Criteria: Ambry Variant Classification Scheme 2023. Collection method: clinical testing. Allele origin: germline. Not counted in ClinVar's aggregate classification.

CeGaT Center for Human Genetics Tuebingen
Classification: Likely benign. Last evaluated: 2023-11-01. Review status: criteria provided, single submitter. Criteria: CeGaT Center For Human Genetics Tuebingen Variant Classification Criteria Version 2. Collection method: clinical testing. Allele origin: germline. Affected: yes. Observed: 1 variant allele. Not counted in ClinVar's aggregate classification.
Comment: MYO6: PP3, BS1

Illumina Laboratory Services, Illumina
Classification: Likely benign for Autosomal dominant nonsyndromic hearing loss 22. Last evaluated: 2018-01-12. Review status: criteria provided, single submitter. Criteria: ICSL Variant Classification Criteria 13 December 2019. Collection method: clinical testing. Allele origin: germline. Not counted in ClinVar's aggregate classification.
Comment: This variant was observed in the ICSL laboratory as part of a predisposition screen in an ostensibly healthy population. It had not been previously curated by ICSL or reported in the Human Gene Mutation Database (HGMD: prior to June 1st, 2018), and was therefore a candidate for classification through an automated scoring system. Utilizing variant allele frequency, disease prevalence and penetrance estimates, and inheritance mode, an automated score was calculated to assess if this variant is too frequent to cause the disease. Based on the score and internal cut-off values, a variant classified as likely benign is not then subjected to further curation. The score for this variant resulted in a classification of likely benign for this disease.

Illumina Laboratory Services, Illumina
Classification: Uncertain significance for Autosomal recessive nonsyndromic hearing loss 37. Last evaluated: 2018-01-12. Review status: criteria provided, single submitter. Criteria: ICSL Variant Classification Criteria 13 December 2019. Collection method: clinical testing. Allele origin: germline. Not counted in ClinVar's aggregate classification.

Laboratory for Molecular Medicine, Mass General Brigham Personalized Medicine
Classification: Uncertain significance. Last evaluated: 2016-01-29. Review status: criteria provided, single submitter. Criteria: LMM Criteria. Collection method: clinical testing. Allele origin: germline. Observed: 2 variant alleles. Not counted in ClinVar's aggregate classification.
Comment: Comp utational prediction tools and conservation analysis do not provide strong suppo rt for or against an impact to the protein. In summary, the clinical significanc e of the p.Glu159Lys variant is uncertain.

Genomic Diagnostic Laboratory, Division of Genomic Diagnostics, Children's Hospital of Philadelphia
Classification: Uncertain significance. Last evaluated: 2015-10-30. Review status: criteria provided, single submitter. Criteria: DGD Variant Analysis Guidelines. Collection method: clinical testing. Allele origin: unknown. Not counted in ClinVar's aggregate classification.

Center for Computational Biology & Bioinformatics, University of California, San Diego
Classification: Uncertain significance for Meniere disease. Last evaluated: 2024-06-03. Review status: no assertion criteria provided. Collection method: research. Allele origin: germline. Affected: yes. Not counted in ClinVar's aggregate classification.

NM_004999.4(MYO6):c.475G>A (p.Glu159Lys)

Gene: MYO6 (myosin VI; plus strand). Cytogenetic location: 6q14.1.
Variant type: single nucleotide variant.
Coding change: c.475G>A on transcript NM_004999.4 (MANE Select); coding-DNA position 475, G replaced by A.
Protein change: p.Glu159Lys; replaces glutamic acid 159 with lysine.
Molecular consequence: missense variant. On other transcripts: non-coding transcript variant (2).
Genome position (GRCh38, 1-based): chr6:75,832,925, G>A. VCF-style: chr6-75832925-G-A. GRCh37 (hg19) VCF-style: chr6-76542642-G-A.
Other names: NM_004999.3(MYO6):c.475G>A(p.Glu159Lys); NM_004999.3(MYO6):c.475G>A; c.475G>A, p.Glu159Lys (NM_001300899.2, NM_001368136.1, NM_001368137.1 and 5 more transcripts); short protein forms E159K.
Identifiers: ClinVar variation 45163 (VCV000045163.52), dbSNP rs201507590, ClinGen allele CA135641.
Genomic context (GRCh38, chr6:75,832,925, plus strand): 5'-AAGGTGCTCAAGATGAGTCAGTCTATCATTGTATCTGGAGAATCAGGAGCCGGCAAAACA[G>A]AAAATACAAAATTTGTTCTAAGGTGAGTATTCAGCTAACTTGAAGTATTTGAGTAGGTTG-3'
Protein context (NP_004990.3, residues 149-169): VSGESGAGKT[Glu159Lys]NTKFVLRYLT